The following is an entry in ClinVar:

NM_001374828.1(ARID1B):c.5233C>T (p.Gln1745Ter)

Gene: ARID1B (AT-rich interaction domain 1B; plus strand). Cytogenetic location: 6q25.3.
Variant type: single nucleotide variant.
Coding change: c.5233C>T on transcript NM_001374828.1 (MANE Select); coding-DNA position 5233, C replaced by T.
Protein change: p.Gln1745Ter; replaces glutamine 1745 with a stop codon.
Molecular consequence: nonsense.
Genome position (GRCh38, 1-based): chr6:157,201,458, C>T. VCF-style: chr6-157201458-C-T. GRCh37 (hg19) VCF-style: chr6-157522592-C-T.
Other names: c.4864C>T (NM_020732.3); c.2734C>T, p.Gln912Ter (NM_001363725.2); c.5113C>T, p.Gln1705Ter (NM_001371656.1, NM_001374820.1); c.5074C>T, p.Gln1692Ter (NM_017519.3); short protein forms Q1692*, Q1705*, Q1745*, Q912*.
Identifiers: ClinVar variation 3252343 (VCV003252343.1), dbSNP rs1554236030.

ClinVar aggregate classification (germline): Pathogenic (1 of 4 stars; one submission).

Submission:

GeneDx
Classification: Pathogenic. Last evaluated: 2023-12-07. Review status: criteria provided, single submitter. Criteria: GeneDx Variant Classification Process June 2021. Collection method: clinical testing. Allele origin: germline. Affected: yes.
Comment: Nonsense variant predicted to result in protein truncation or nonsense mediated decay in a gene for which loss of function is a known mechanism of disease; Not observed at significant frequency in large population cohorts (gnomAD); This variant is associated with the following publications: (PMID: 32170002)